The following is an entry in ClinVar:

NM_018136.5(ASPM):c.9830-8del

Gene: ASPM (assembly factor for spindle microtubules; minus strand). Cytogenetic location: 1q31.3.
Variant type: Deletion.
Coding change: c.9830-8del on transcript NM_018136.5 (MANE Select); 8 bases into the intron before coding-DNA position 9830, one base deleted (T; older notation c.9830-8delT).
Molecular consequence: intron variant.
Genome position (GRCh38, 1-based): chr1:197,090,092, A deleted on the plus strand (T on the coding strand, the reverse complement: ASPM is on the minus strand); the first of 10 consecutive A bases (chr1:197,090,092-197,090,101); deleting any one gives the same sequence. VCF-style (leftmost placement, unchanged base first): chr1-197090091-GA-G. GRCh37 (hg19) VCF-style: chr1-197059221-GA-G.
Other names: c.5075-8del (NM_001206846.2).
Identifiers: ClinVar variation 3033823 (VCV003033823.4), dbSNP rs748383126, ClinGen allele CA1308838.

ClinVar aggregate classification (germline): Benign. Review status: criteria provided, single submitter (1 of 4 stars). 2 submissions from 2 submitters: Benign (1). 1 of the submissions does not count toward it. Last evaluated 2025-04-10.

Conditions:
ASPM-related disorder. Also called: ASPM-related condition.

Submissions (2):

Labcorp Genetics (formerly Invitae), Labcorp
Classification: Benign. Last evaluated: 2025-04-10. Review status: criteria provided, single submitter. Criteria: Invitae Variant Classification Sherloc (09022015). Collection method: clinical testing. Allele origin: germline.

PreventionGenetics, part of Exact Sciences
Classification: Likely benign for ASPM-related condition. Last evaluated: 2019-06-17. Review status: no assertion criteria provided. Collection method: clinical testing. Allele origin: germline. Not counted in ClinVar's aggregate classification.
Comment: This variant is classified as likely benign based on ACMG/AMP sequence variant interpretation guidelines (Richards et al. 2015 PMID: 25741868, with internal and published modifications).